The following is an entry in ClinVar:

NM_133510.4(RAD51B):c.316-45_316delinsTAACT

Gene: RAD51B (RAD51 paralog B; plus strand). Cytogenetic location: 14q24.1.
Variant type: Indel.
Coding change: c.316-45_316delinsTAACT on transcript NM_133510.4 (MANE Select); 45 bases into the intron before coding-DNA position 316 through coding-DNA position 316, the reference bases replaced by TAACT.
Molecular consequence: splice acceptor variant.
Genome position (GRCh38, 1-based): chr14:67,864,958-67,865,003, 46 bases replaced. GRCh37 (hg19): chr14:68,331,675-68,331,720.
Other names: c.316-45_316delinsTAACT (NM_001321818.2, NM_001321809.2, NM_001321821.2 and 6 more transcripts); c.-42-45_-42delinsTAACT (NM_001321817.2); c.202-45_202delinsTAACT (NM_001321815.1).
Identifiers: ClinVar variation 4149846 (VCV004149846.1).

ClinVar aggregate classification (germline): Uncertain significance (1 of 4 stars; one submission).

Submission:

Ambry Genetics
Classification: Uncertain significance. Last evaluated: 2025-08-18. Review status: criteria provided, single submitter. Criteria: Ambry Variant Classification Scheme 2023. Collection method: clinical testing. Allele origin: germline.
Comment: The c.316-45_316del46insTAACT variant results from a deletion of 46 nucleotides and insertion of 5 nucleotides at positions c.316-45 to c.316 and involves the canonical splice acceptor site before coding exon 4 of the RAD51B gene. Alterations that disrupt the canonical splice site are expected to cause aberrant splicing, resulting in an abnormal protein or a transcript that is subject to nonsense-mediated mRNA decay. The evidence for this gene-disease relationship is limited; therefore, the clinical significance of this alteration is unclear.